The following is an entry in ClinVar:

ClinVar aggregate classification (germline): Uncertain significance. Review status: criteria provided, single submitter (1 of 4 stars). 2 submissions from 2 submitters: Uncertain significance (1). 1 of the submissions does not count toward it. Last evaluated 2021-08-31.

Conditions:
Bardet-Biedl syndrome (BBS). Identifiers: Orphanet 110, MedGen C0752166, MONDO:0015229.
Bardet-Biedl syndrome 10 (BBS10). Identifiers: Orphanet 110, MedGen C1859568, MONDO:0014438, OMIM 615987.

Allele frequency attached by ClinVar (database versions not stated): gnomAD exomes below 0.00001.
gnomAD v4.1: 1 of 1,601,212 alleles (0.000062%); highest among the groups gnomAD compares: Non-Finnish European, 0.000085%; no homozygotes.

Submissions (2):

Labcorp Genetics (formerly Invitae), Labcorp
Classification: Uncertain significance for Bardet-Biedl syndrome. Last evaluated: 2021-08-31. Review status: criteria provided, single submitter. Criteria: Invitae Variant Classification Sherloc (09022015). Collection method: clinical testing. Allele origin: germline.
Comment: This sequence change replaces aspartic acid with glycine at codon 70 of the BBS10 protein (p.Asp70Gly). The aspartic acid residue is weakly conserved and there is a moderate physicochemical difference between aspartic acid and glycine. This variant is not present in population databases (ExAC no frequency). This variant has not been reported in the literature in individuals affected with BBS10-related conditions. Algorithms developed to predict the effect of missense changes on protein structure and function (SIFT, PolyPhen-2, Align-GVGD) all suggest that this variant is likely to be tolerated. In summary, the available evidence is currently insufficient to determine the role of this variant in disease. Therefore, it has been classified as a Variant of Uncertain Significance.

Natera, Inc.
Classification: Uncertain significance for Bardet-Biedl syndrome type 10. Last evaluated: 2020-03-11. Review status: no assertion criteria provided. Collection method: clinical testing. Allele origin: germline. Not counted in ClinVar's aggregate classification.

NM_024685.4(BBS10):c.209A>G (p.Asp70Gly)

Gene: BBS10 (Bardet-Biedl syndrome 10; minus strand). Cytogenetic location: 12q21.2.
Variant type: single nucleotide variant.
Coding change: c.209A>G on transcript NM_024685.4 (MANE Select); coding-DNA position 209, A replaced by G.
Protein change: p.Asp70Gly; replaces aspartic acid 70 with glycine.
Molecular consequence: missense variant.
Genome position (GRCh38, 1-based): chr12:76,347,776, T>C on the plus strand (A>G on the coding strand, the complement: BBS10 is on the minus strand). VCF-style: chr12-76347776-T-C. GRCh37 (hg19) VCF-style: chr12-76741556-T-C.
Other names: short protein forms D70G.
Identifiers: ClinVar variation 1034486 (VCV001034486.7), dbSNP rs529208223, ClinGen allele CA385816008.